The following is an entry in ClinVar:

NM_002294.3(LAMP2):c.230G>A (p.Ser77Asn)

Gene: LAMP2 (lysosome associated membrane protein 2; minus strand). Cytogenetic location: Xq24.
Variant type: single nucleotide variant.
Coding change: c.230G>A on transcript NM_002294.3 (MANE Select); coding-DNA position 230, G replaced by A.
Protein change: p.Ser77Asn; replaces serine 77 with asparagine.
Molecular consequence: missense variant.
Genome position (GRCh38, 1-based): chrX:120,455,524, C>T on the plus strand (G>A on the coding strand, the complement: LAMP2 is on the minus strand). VCF-style: chrX-120455524-C-T. GRCh37 (hg19) VCF-style: chrX-119589379-C-T.
Other names: c.230G>A, p.Ser77Asn (NM_013995.2, NM_001122606.1); short protein forms S77N.
Identifiers: ClinVar variation 4746389 (VCV004746389.1).
Genomic context (GRCh38, chrX:120,455,524, plus strand): 5'-GAAAAGCCAGGTCCGAACTGCACTGCTATTTTGGGACCATTCTGATCATCCCCACAAATG[C>T]TTCCATTATATGTCACAGTGCCATGGTCTGAAATGGTTACAGTTTTCTAAAAGAAATAGA-3'
Protein context (NP_002285.1, residues 67-87): SDHGTVTYNG[Ser77Asn]ICGDDQNGPK

ClinVar aggregate classification (germline): Uncertain significance (1 of 4 stars; one submission).

Conditions:
Danon disease. Also called: Glycogen Storage Disease Type IIb; ANTOPOL DISEASE; PSEUDOGLYCOGENOSIS II; GSD IIb; LYSOSOMAL GLYCOGEN STORAGE DISEASE WITHOUT ACID MALTASE DEFICIENCY. Identifiers: Orphanet 34587, MedGen C0878677, MONDO:0010281, OMIM 300257.

Submission:

Labcorp Genetics (formerly Invitae), Labcorp
Classification: Uncertain significance for Danon disease. Last evaluated: 2025-10-18. Review status: criteria provided, single submitter. Criteria: Invitae Variant Classification Sherloc (09022015). Collection method: clinical testing. Allele origin: germline.
Comment: This sequence change replaces serine, which is neutral and polar, with asparagine, which is neutral and polar, at codon 77 of the LAMP2 protein (p.Ser77Asn). This variant is not present in population databases (gnomAD no frequency). This variant has not been reported in the literature in individuals affected with LAMP2-related conditions. Invitae Evidence Modeling of protein sequence and biophysical properties (such as structural, functional, and spatial information, amino acid conservation, physicochemical variation, residue mobility, and thermodynamic stability) indicates that this missense variant is expected to disrupt LAMP2 protein function with a positive predictive value of 80%. In summary, the available evidence is currently insufficient to determine the role of this variant in disease. Therefore, it has been classified as a Variant of Uncertain Significance.